The following is an entry in ClinVar:

ClinVar aggregate classification (germline): Uncertain significance (1 of 4 stars; one submission).

Conditions:
Hereditary cancer-predisposing syndrome. Also called: Neoplastic Syndromes, Hereditary; Tumor predisposition; Hereditary neoplastic syndrome; Hereditary Cancer Syndrome. Identifiers: Orphanet 140162, MedGen C0027672, MeSH D009386, MONDO:0015356.

Submission:

Ambry Genetics
Classification: Uncertain significance for Hereditary cancer-predisposing syndrome. Last evaluated: 2026-07-06. Review status: criteria provided, single submitter. Criteria: Ambry Variant Classification Scheme 2023. Collection method: clinical testing. Allele origin: germline.
Comment: The p.S31R variant (also known as c.93C>G), located in coding exon 1 of the SMARCA4 gene, results from a C to G substitution at nucleotide position 93. The serine at codon 31 is replaced by arginine, an amino acid with dissimilar properties. This amino acid position is conserved. In addition, the in silico prediction for this alteration is inconclusive. Based on the available evidence, the clinical significance of this variant remains unclear.

NM_003072.5(SMARCA4):c.93C>G (p.Ser31Arg)

Gene: SMARCA4 (SWI/SNF related BAF chromatin remodeling complex subunit ATPase 4; plus strand). Cytogenetic location: 19p13.2.
Variant type: single nucleotide variant.
Coding change: c.93C>G on transcript NM_003072.5 (MANE Select); coding-DNA position 93, C replaced by G.
Protein change: p.Ser31Arg; replaces serine 31 with arginine.
Molecular consequence: missense variant. On other transcripts: non-coding transcript variant (1).
Genome position (GRCh38, 1-based): chr19:10,984,244, C>G. VCF-style: chr19-10984244-C-G. GRCh37 (hg19) VCF-style: chr19-11094920-C-G.
Other names: c.93C>G, p.Ser31Arg (NM_001128844.3, NM_001128845.2, NM_001128846.2 and 6 more transcripts); short protein forms S31R.
Identifiers: ClinVar variation 5029827 (VCV005029827.1).